The following is an entry in ClinVar:

ClinVar aggregate classification (germline): Pathogenic/Likely pathogenic. Review status: criteria provided, multiple submitters, no conflicts (2 of 4 stars). 2 submissions from 2 submitters: Pathogenic (1); Likely pathogenic (1). Last evaluated 2020-02-26.

Conditions:
Combined oxidative phosphorylation defect type 8. Also called: CARDIOMYOPATHY, HYPERTROPHIC MITOCHONDRIAL, FATAL INFANTILE. Identifiers: Orphanet 319504, MedGen C4518839, MONDO:0013570, OMIM 614096.
Inborn genetic diseases. Identifiers: MedGen C0950123, MeSH D030342.

Allele frequency attached by ClinVar (database versions not stated): ExAC 0.00001; gnomAD 0.00001; gnomAD exomes 0.00001 and 0.00002; TOPMed 0.00003; ESP Exome Variant Server 0.00008.

Submissions (2):

Baylor Genetics
Classification: Likely pathogenic for Combined oxidative phosphorylation defect type 8. Last evaluated: 2020-02-26. Review status: criteria provided, single submitter. Criteria: ACMG Guidelines, 2015. Collection method: clinical testing. Allele origin: unknown. Affected: yes.
Comment: This variant was determined to be likely pathogenic according to ACMG Guidelines, 2015 [PMID:25741868].

Ambry Genetics
Classification: Pathogenic for Inborn genetic diseases. Last evaluated: 2015-10-30. Review status: criteria provided, single submitter. Criteria: Ambry exome assertion method (8-5-2015). Collection method: clinical testing. Allele origin: germline. Affected: yes. Observed: 1 variant allele.

NM_020745.4(AARS2):c.2146-2A>G

Gene: AARS2 (alanyl-tRNA synthetase 2, mitochondrial; minus strand). Cytogenetic location: 6p21.1.
Variant type: single nucleotide variant.
Coding change: c.2146-2A>G on transcript NM_020745.4 (MANE Select); the canonical splice acceptor site of the intron before coding-DNA position 2146, A replaced by G.
Molecular consequence: splice acceptor variant.
Genome position (GRCh38, 1-based): chr6:44,303,177, T>C on the plus strand (A>G on the coding strand, the complement: AARS2 is on the minus strand). VCF-style: chr6-44303177-T-C. GRCh37 (hg19) VCF-style: chr6-44270914-T-C.
Identifiers: ClinVar variation 520861 (VCV000520861.5), dbSNP rs368934219, ClinGen allele CA3834078.